The following is an entry in ClinVar:

ClinVar aggregate classification (germline): Pathogenic (1 of 4 stars; one submission).

Conditions:
Developmental and epileptic encephalopathy, 44 (DEE44). Also called: Epileptic encephalopathy, early infantile, 44. Identifiers: MedGen C4310700, MONDO:0014933, OMIM 617132.

Submission:

Institute for Genomic Medicine (IGM) Clinical Laboratory, Nationwide Children's Hospital
Classification: Pathogenic for Developmental and epileptic encephalopathy, 44. Last evaluated: 2017-05-29. Review status: criteria provided, single submitter. Criteria: ACMG Guidelines, 2015. Collection method: clinical testing. Allele origin: germline. Affected: yes.
Comment: [ACMG/AMP: PVS1, PM1, PM2, PP3] This alteration is a null variant in a gene where LOF is a known mechanism of disease [PVS1], is located in a mutational hotspot and/or critical and well-established functional domain [PM1], is absent from or rarely observed in large-scale population databases [PM2], is predicted to be damaging by multiple functional prediction tools [PP3].

NM_024818.6(UBA5):c.160dup (p.Ser54fs)

Genes: NPHP3-ACAD11 (NPHP3-ACAD11 readthrough (NMD candidate); minus strand), UBA5 (ubiquitin like modifier activating enzyme 5; plus strand), LOC129937585 (ATAC-STARR-seq lymphoblastoid active region 20539; plus strand). Cytogenetic location: 3q22.1.
Variant type: Duplication.
Coding change: c.160dup on transcript NM_024818.6 (MANE Select); coding-DNA position 160, one base duplicated (A; older notation c.160dupA).
Protein change: p.Ser54fs; shifts the reading frame from serine 54.
Molecular consequence: frameshift variant. On other transcripts: 5 prime UTR variant (3), intron variant (1).
Genome position (GRCh38, 1-based): chr3:132,660,697, A duplicated. VCF-style (leftmost placement, unchanged base first): chr3-132660696-C-CA. GRCh37 (hg19) VCF-style: chr3-132379540-C-CA.
Other names: c.-359dup (NM_001320210.2); c.-325dup (NM_001321238.2); c.-41dup (NM_001321239.1); c.-7-5126dup (NM_198329.4); short protein forms S54fs.
Identifiers: ClinVar variation 973257 (VCV000973257.5), dbSNP rs1938110760, ClinGen allele CA1139658259.
Genomic context (GRCh38, chr3:132,660,696, plus strand): 5'-AGGGGGCGGCCGGGTCCGCATCGAGAAGATGAGCTCAGAGGTGGTGGATTCGAATCCCTA[C>CA]AGGTAACCTGCGTCGCCGGTCGGAGGCAGGCGCGGGGGACGAGGTCAGGCTCCGTGAGGT-3'